The following is an entry in ClinVar:

NM_015261.3(NCAPD3):c.2237+7A>G

Gene: NCAPD3 (non-SMC condensin II complex subunit D3; minus strand). Cytogenetic location: 11q25.
Variant type: single nucleotide variant.
Coding change: c.2237+7A>G on transcript NM_015261.3 (MANE Select); 7 bases into the intron after coding-DNA position 2237, A replaced by G.
Molecular consequence: intron variant.
Genome position (GRCh38, 1-based): chr11:134,185,328, T>C on the plus strand (A>G on the coding strand, the complement: NCAPD3 is on the minus strand). VCF-style: chr11-134185328-T-C. GRCh37 (hg19) VCF-style: chr11-134055223-T-C.
Other names: c.1823+7A>G (NM_001372070.1, NM_001372069.1); c.2237+7A>G (NM_001372065.1, NM_001372068.1).
Identifiers: ClinVar variation 4978318 (VCV004978318.1).

ClinVar aggregate classification (germline): Likely benign (1 of 4 stars; one submission).

Conditions:
NCAPD3-related disorder. Also called: NCAPD3-related condition.

gnomAD v4.1: 11 of 1,597,442 alleles (0.00069%); highest among the groups gnomAD compares: African/African-American, 0.0027%; no homozygotes.

Submission:

PreventionGenetics, part of Exact Sciences
Classification: Likely benign for NCAPD3-related condition. Last evaluated: 2025-06-12. Review status: criteria provided, single submitter. Criteria: ACMG Guidelines, 2015. Collection method: clinical testing. Allele origin: germline.
Comment: This variant is classified as likely benign based on ACMG/AMP sequence variant interpretation guidelines (Richards et al. 2015 PMID: 25741868, with internal and published modifications).